The following is an entry in ClinVar:

NM_000062.3(SERPING1):c.-161A>G

Gene: SERPING1 (serpin family G member 1; plus strand). Cytogenetic location: 11q12.1.
Variant type: single nucleotide variant.
Coding change: c.-161A>G on transcript NM_000062.3 (MANE Select); 161 bases upstream of the start codon, A replaced by G.
Genome position (GRCh38, 1-based): chr11:57,597,584, A>G. VCF-style: chr11-57597584-A-G. GRCh37 (hg19) VCF-style: chr11-57365057-A-G.
Identifiers: ClinVar variation 3242430 (VCV003242430.2), dbSNP rs1291031675.
Genomic context (GRCh38, chr11:57,597,584, plus strand): 5'-ACCAAGCGGTCAGTCCCATTCCGTCCCATCCTGATTTACAGGAACTCACACCAGCGATCA[A>G]TCTTCCTTAATTTGTAACTGGGCAGTGTCCCGGGCCAGCCAATAGCTAAGACTGCCCCCC-3'

ClinVar aggregate classification (germline): Pathogenic (1 of 4 stars; one submission).

Conditions:
Hereditary angioedema type 1 (HAE1). Identifiers: Orphanet 100050, Orphanet 100051, Orphanet 91378, MedGen C2717906, MONDO:0015053, OMIM 106100.

Submission:

DNA-diagnostics Laboratory, Research Centre For Medical Genetics
Classification: Pathogenic for Hereditary angioedema type 1. Last evaluated: 2024-06-15. Review status: criteria provided, single submitter. Criteria: ACMG Guidelines, 2015. Collection method: research. Allele origin: germline. Inheritance: Autosomal recessive inheritance. Affected: yes. Observed: 2 variant alleles, 2 homozygotes.
Comment: The c.-161A>G variant in SERPING1 was observed in Azerbaijanian autosomal recessive HAE family with 2 homozygous siblings. The same variant has previously been reported in Turkish autosomal recessive HAE family with 3 homozygous siblings (Büyüköztürk et all, 2009). The c.-161A>G variant was absent in 136 ethnically matched control chromosomes analyzed and was present at extremely low frequency in gnomAD v4.1.0 database (0.0002 in South Asian only). Affected members displayed a concordant complement profile with HAE-I, whereas heterozygous individuals had mild decrease of C1Inh activities within normal range. Additionally, in vitro functional studies indicate that C1INH mRNA levels in homozygous and heterozygous carriers are reduced (Büyüköztürk et all, 2009). According to our observation and the published information of Büyüköztürk et all, 2009, the c.-161A>G variant meets ACMG /ClinGen SVI guidance criteria to be classified as pathogenic: PS3, PP1_Str, PS4_Mod, PM2_Sup

Literature cited by the submitters: PubMed 19201015.